The following is an entry in ClinVar:

ClinVar aggregate classification (germline): Uncertain significance (1 of 4 stars; one submission).

Conditions:
Inborn genetic diseases. Identifiers: MedGen C0950123, MeSH D030342.

Submission:

Ambry Genetics
Classification: Uncertain significance for Inborn genetic diseases. Last evaluated: 2025-01-25. Review status: criteria provided, single submitter. Criteria: Ambry Variant Classification Scheme 2023. Collection method: clinical testing. Allele origin: germline.
Comment: The p.R1827T variant (also known as c.5480G>C), located in coding exon 17 of the F5 gene, results from a G to C substitution at nucleotide position 5480. The arginine at codon 1827 is replaced by threonine, an amino acid with similar properties. This amino acid position is conserved. In addition, this alteration is predicted to be deleterious by in silico analysis. Based on the available evidence, the clinical significance of this variant remains unclear.

NM_000130.5(F5):c.5480G>C (p.Arg1827Thr)

Gene: F5 (coagulation factor V; minus strand). Cytogenetic location: 1q24.2.
Variant type: single nucleotide variant.
Coding change: c.5480G>C on transcript NM_000130.5 (MANE Select); coding-DNA position 5480, G replaced by C.
Protein change: p.Arg1827Thr; replaces arginine 1827 with threonine.
Molecular consequence: missense variant.
Genome position (GRCh38, 1-based): chr1:169,528,034, C>G on the plus strand (G>C on the coding strand, the complement: F5 is on the minus strand). VCF-style: chr1-169528034-C-G. GRCh37 (hg19) VCF-style: chr1-169497272-C-G.
Other names: short protein forms R1827T.
Identifiers: ClinVar variation 3847030 (VCV003847030.1).
Genomic context (GRCh38, chr1:169,528,034, plus strand): 5'-TGGCCGTGAAAGTGAACCACGTGAATGTCTTGGGAGCCGCCTATGTTCAGCAGGTGTAAC[C>G]TCACCCACTCTTGCTCATACATTTTCAGGCCAGGCAAGCTGTAGATCATCCCATTAATGG-3'
Protein context (NP_000121.2, residues 1817-1837): GLKMYEQEWV[Arg1827Thr]LHLLNIGGSQ